The following is an entry in ClinVar:

ClinVar aggregate classification (germline): Conflicting classifications of pathogenicity. Review status: criteria provided, conflicting classifications (1 of 4 stars). 3 submissions from 3 submitters: Likely pathogenic (1); Uncertain significance (2). Last evaluated 2021-11-04.

Conditions:
Pyridoxine-dependent epilepsy (EPEO4). Also called: Pyridoxine-Dependent Seizures; PYRIDOXINE DEPENDENCY WITH SEIZURES; Pyridoxine-Dependent Epilepsy - ALDH7A1; EPILEPSY, EARLY-ONSET, 4, VITAMIN B6-DEPENDENT. Identifiers: Orphanet 3006, MedGen C1849508, MONDO:0009945, OMIM 266100. Disease mechanism: loss of function.
Seizure. Also called: Seizures. Identifiers: MedGen C0036572, HP:0001250.

Allele frequency attached by ClinVar (database versions not stated): gnomAD exomes below 0.00001; TOPMed below 0.00001.
gnomAD v4.1: 2 of 1,614,044 alleles (0.00012%); highest among the groups gnomAD compares: Non-Finnish European, 0.00017%; no homozygotes.

Submissions (3):

Blueprint Genetics
Classification: Uncertain significance. Last evaluated: 2021-11-04. Review status: criteria provided, single submitter. Criteria: ACMG Guidelines, 2015. Collection method: clinical testing. Allele origin: germline.

Labcorp Genetics (formerly Invitae), Labcorp
Classification: Uncertain significance for Pyridoxine-dependent epilepsy. Last evaluated: 2020-03-05. Review status: criteria provided, single submitter. Criteria: Invitae Variant Classification Sherloc (09022015). Collection method: clinical testing. Allele origin: germline.
Comment: Algorithms developed to predict the effect of missense changes on protein structure and function (SIFT, PolyPhen-2, Align-GVGD) all suggest that this variant is likely to be disruptive, but these predictions have not been confirmed by published functional studies and their clinical significance is uncertain. In summary, the available evidence is currently insufficient to determine the role of this variant in disease. Therefore, it has been classified as a Variant of Uncertain Significance. This variant has not been reported in the literature in individuals with ALDH7A1-related conditions. This variant is not present in population databases (ExAC no frequency). This sequence change replaces threonine with isoleucine at codon 412 of the ALDH7A1 protein (p.Thr412Ile). The threonine residue is highly conserved and there is a moderate physicochemical difference between threonine and isoleucine.

Cytogénomique, Hospices Civils de Lyon
Classification: Likely pathogenic for Seizure. Review status: criteria provided, single submitter. Criteria: ACMG Guidelines, 2015. Collection method: clinical testing. Allele origin: inherited. Inheritance: Autosomal recessive inheritance. Affected: yes.

NM_001182.5(ALDH7A1):c.1235C>T (p.Thr412Ile)

Gene: ALDH7A1 (aldehyde dehydrogenase 7 family member A1; minus strand). Cytogenetic location: 5q23.2.
Variant type: single nucleotide variant.
Coding change: c.1235C>T on transcript NM_001182.5 (MANE Select); coding-DNA position 1235, C replaced by T.
Protein change: p.Thr412Ile; replaces threonine 412 with isoleucine.
Molecular consequence: missense variant.
Genome position (GRCh38, 1-based): chr5:126,552,103, G>A on the plus strand (C>T on the coding strand, the complement: ALDH7A1 is on the minus strand). VCF-style: chr5-126552103-G-A. GRCh37 (hg19) VCF-style: chr5-125887795-G-A.
Other names: c.1151C>T, p.Thr384Ile (NM_001201377.2); c.1043C>T, p.Thr348Ile (NM_001202404.2); short protein forms T348I, T412I, T384I.
Identifiers: ClinVar variation 835957 (VCV000835957.12), dbSNP rs1471604421, ClinGen allele CA360723268.